The following continues an entry in ClinVar:

NM_000257.4(MYH7):c.958G>A (p.Val320Met)

Gene: MYH7. ClinVar aggregate classification (germline): Pathogenic/Likely pathogenic. Pathogenic (2); Likely pathogenic (13).

Submissions 7 to 16 of 16:

Color Diagnostics, LLC DBA Color Health
Classification: Likely pathogenic for Cardiomyopathy. Last evaluated: 2025-06-01. Review status: criteria provided, single submitter. Criteria: ACMG Guidelines, 2015. Collection method: clinical testing. Allele origin: germline.
Comment: This missense variant replaces valine with methionine at codon 320 of the MYH7 protein. This variant is found within a highly conserved region of the myosin head domain. Missense variants in this region have been shown to be significantly overrepresented in individuals with hypertrophic cardiomyopathy (PMID: 27532257). Computational prediction suggests that this variant may have a deleterious impact on protein structure and function. To our knowledge, functional studies have not been reported for this variant. This variant has been reported in more than fifteen unrelated individuals affected with hypertrophic cardiomyopathy (PMID: 12566107, 21239446, 22857948, 24093860, 27532257, 28771489, 30775854, 33588347, 33673806, 33764162, 34542152, 38489124). This variant has been identified in 4/251342 chromosomes in the general population by the Genome Aggregation Database (gnomAD). Based on the available evidence, this variant is classified as Likely Pathogenic.

All of Us Research Program, National Institutes of Health
Classification: Likely pathogenic for Hypertrophic cardiomyopathy. Last evaluated: 2024-07-29. Review status: criteria provided, single submitter. Criteria: ACMG Guidelines, 2015. Collection method: clinical testing. Allele origin: germline. Inheritance: Autosomal dominant inheritance. Observed: 1 variant allele, 1 heterozygote.
Comment: This missense variant replaces valine with methionine at codon 320 of the MYH7 protein. This variant is found within a highly conserved region of the myosin head domain. Missense variants in this region have been shown to be significantly overrepresented in individuals with hypertrophic cardiomyopathy (PMID: 27532257). Computational prediction suggests that this variant may have deleterious impact on protein structure and function (internally defined REVEL score threshold >= 0.7, PMID: 27666373). To our knowledge, functional studies have not been reported for this variant. This variant has been reported in at least thirteen unrelated individuals affected with hypertrophic cardiomyopathy (PMID: 12566107, 21239446, 22857948, 24093860, 27532257, 28771489, 30775854, 33588347, 33764162). This variant has been identified in 4/251342 chromosomes in the general population by the Genome Aggregation Database (gnomAD). Based on the available evidence, this variant is classified as Likely Pathogenic.

This study involves interpretation of variants in research participants for the purpose of population health screening. Participant phenotype was not available at the time of variant classification. Additional details can be found in publication PMID: 35346344, PMCID: PMC8962531

Fulgent Genetics
Classification: Likely pathogenic for MYH7-related skeletal myopathy; Hypertrophic cardiomyopathy 1; Myopathy, myosin storage, autosomal recessive; Myosin storage myopathy; Dilated cardiomyopathy 1S. Last evaluated: 2024-06-17. Review status: criteria provided, single submitter. Criteria: ACMG Guidelines, 2015. Collection method: clinical testing. Allele origin: germline.

Laboratory for Molecular Medicine, Mass General Brigham Personalized Medicine
Classification: Likely pathogenic for Hypertrophic cardiomyopathy. Last evaluated: 2023-02-06. Review status: criteria provided, single submitter. Criteria: ACMG Guidelines, 2015. Collection method: clinical testing. Allele origin: germline. Inheritance: Autosomal dominant inheritance.
Comment: The p.Val320Met variant in MYH7 has been reported in over 20 individuals with hypertrophic cardiomyopathy (HCM; Brito 2012 PMID: 22857948, Fokstuen 2011 PMID: 21239446, Havndrup 2003 PMID: 12566107, Homburger 2016 PMID: 27247418, Jensen 2013 PMID: 23197161, Marsiglia 2013 PMID: 24093860, Walsh 2017 PMID: 27532257, LMM data) and segregated with disease in at least one affected relative from one family (Havndrup 2003 PMID: 12566107). This variant has also been reported by other clinical laboratories in ClinVar (Variation ID: 161328) and has also been identified in 0.0029% (2/68040) of European chromosomes by gnomAD (v.3.1.1). Computational prediction tools and conservation analysis are consistent with pathogenicity. This variant lies in the head region of the protein and missense variants in this region are statistically more likely to be disease-associated (Walsh 2017 PMID: 27532257). In summary, although additional studies are required to fully establish its clinical significance, this variant meets criteria to be classified as likely pathogenic for autosomal dominant HCM. ACMG/AMP criteria applied: PS4, PM2_Supporting, PP3, PM1.

Revvity Omics, Revvity
Classification: Likely pathogenic. Last evaluated: 2022-01-17. Review status: criteria provided, single submitter. Criteria: ACMG Guidelines, 2015. Collection method: clinical testing. Allele origin: germline.

Victorian Clinical Genetics Services, Murdoch Childrens Research Institute
Classification: Likely pathogenic for Hypertrophic cardiomyopathy 1. Last evaluated: 2020-06-11. Review status: criteria provided, single submitter. Criteria: ACMG Guidelines, 2015. Collection method: clinical testing. Allele origin: germline.
Comment: Based on the classification scheme VCGS_Germline_v1.1.1, this variant is classified as Likely Pathogenic. ClinGen MYH7 guidelines: Likely Pathogenic: PM1 + PM2 + PS4 + PP3 Following criteria are met: 0105 - The mechanism of disease for this gene is not clearly established; however, missense variants have been proposed to act in a dominant negative manner (PMID: 24714796) (N) 0108 - This gene is known to be associated with both recessive and dominant disease (OMIM) (N) For this patient: autosomal dominant inheritance with digenic dominance applies (Cardiomyopathy, hypertrophic, 1. OMIM: 192600) 0112 - Variants in this gene are known to have reduced penetrance: PMID: 29300372: Kelly, MA. et al. (2018), Florescu, C. (2017) (N) 0200 - Variant is predicted to result in a missense amino acid change from valine to methionine (exon 11). (N) 0251 - Variant is heterozygous. (N) 0302 - Variant is present in gnomAD <0.001 for a dominant condition (0.0000159 (4 Het, 0 Hom) gnomAD v2.1.1. (P) 0501 - Missense variant consistently predicted to be damaging by multiple in silico tools or highly conserved with a major amino acid change. (P) 4/4 in silico analyses. Minor amino acid. High conservation. 0602 - Variant is located in a hotspot region or cluster of pathogenic variants. (P) Hotspot region (amino acids 181-937) (PMID: 29300372). 0708 Comparable variants have conflicting previous evidence for pathogenicity. (N) p.(Val320Glu), major amino acid change: Likely pathogenic in ClinVar x1. LOVD3: 2x Likely pathogenic + 2x VUS by VKGL data sharing initiative. 0801 Strong previous evidence of pathogenicity in unrelated individuals. (P) >15 unrelated probands with this variant. ClinVar: Conflicting interpretations of pathogenicity: 7 submissions: 5x Likely Pathogenic + 2x VUS. Publications: PMID: 12566107 (and follow-up PMID: 23197161). PMID: 21239446. PMID: 22857948. PMID: 24093860. Álvarez-Acosta, L. et al. (2014). PMID: 27247418. PMID: 27532257. 1007 - No published functional evidence has been identified for this variant. (N) 1208 - Inheritance information for this variant is not currently available. (N) Legend: (P) - Pathogenic, (N) - Neutral, (B) - Benign

HudsonAlpha Institute for Biotechnology
Classification: Likely pathogenic for Hypertrophic cardiomyopathy 1. Last evaluated: 2020-03-10. Review status: criteria provided, single submitter. Criteria: ACMG Guidelines, 2015. Collection method: research. Allele origin: unknown. Observed: 1 variant allele. Study: AGHI_GT.

Stanford Center for Inherited Cardiovascular Disease, Stanford University
Classification: Likely pathogenic. Last evaluated: 2012-08-06. Review status: criteria provided, single submitter. Criteria: ACMG Guidelines, 2015. Collection method: provider interpretation. Allele origin: germline.

Laboratory of Genetics and Molecular Cardiology, University of São Paulo
Classification: Likely pathogenic for Hypertrophic cardiomyopathy 1. Review status: criteria provided, single submitter. Criteria: LGCM Criteria August 2015. Collection method: clinical testing. Allele origin: germline. Inheritance: Autosomal dominant inheritance. Affected: yes. Observed: 6 variant alleles. Study: Sarcomeric Human Cardiomyopathy Registry (ShaRe).

CSER _CC_NCGL, University of Washington
Classification: Uncertain significance for Cardiomyopathy, hypertrophic. Last evaluated: 2014-06-01. Review status: flagged submission. Collection method: research. Allele origin: germline. Inheritance: Autosomal dominant inheritance. Study: ESP 6500 variant annotation. Not counted in ClinVar's aggregate classification.
Comment: Variants classified for the Actionable exomic incidental findings in 6503 participants: challenges of variant classification manuscript
ClinVar note: Reason: Older and outlier claim with insufficient supporting evidence

Literature cited by the submitters: PubMed 33588347 (cited by 3 submitters); PubMed 22857948 (cited by 7 submitters); PubMed 25937619 (cited by Dasa and Laboratory for Molecular Medicine, Mass General Brigham Personalized Medicine); PubMed 12566107 (cited by 7 submitters); PubMed 24093860 (cited by 7 submitters); PubMed 38423942 (cited by Dasa); PubMed 20031602 (cited by Labcorp Genetics (formerly Invitae), Labcorp and Ambry Genetics); PubMed 21239446 (cited by 6 submitters); PubMed 27247418 (cited by 4 submitters); PubMed 27532257 (cited by 7 submitters); PubMed 22429680 (cited by Ambry Genetics); PubMed 22958901 (cited by Ambry Genetics); PubMed 23197161 (cited by 3 submitters); PubMed 25637381 (cited by Ambry Genetics); PubMed 31199839 (cited by Ambry Genetics); PubMed 28771489 (cited by Color Diagnostics, LLC DBA Color Health and All of Us Research Program, National Institutes of Health); PubMed 30775854 (cited by Color Diagnostics, LLC DBA Color Health and All of Us Research Program, National Institutes of Health); PubMed 33673806 (cited by Color Diagnostics, LLC DBA Color Health); PubMed 33764162 (cited by Color Diagnostics, LLC DBA Color Health and All of Us Research Program, National Institutes of Health); PubMed 34542152 (cited by Color Diagnostics, LLC DBA Color Health); PubMed 38489124 (cited by Color Diagnostics, LLC DBA Color Health); PubMed 24714796 (cited by Victorian Clinical Genetics Services, Murdoch Childrens Research Institute); PubMed 29300372 (cited by Victorian Clinical Genetics Services, Murdoch Childrens Research Institute).